The following is an entry in ClinVar:

ClinVar aggregate classification (germline): Likely benign. Review status: criteria provided, multiple submitters, no conflicts (2 of 4 stars). 3 submissions from 3 submitters: Likely benign (3). Last evaluated 2025-11-15.

Allele frequency attached by ClinVar (database versions not stated): TOPMed 0.00009; gnomAD 0.00011 and 0.00013; gnomAD exomes 0.00014 and 0.00015; ExAC 0.00017; ESP Exome Variant Server 0.00031; 1000 Genomes Project 0.00040; 1000 Genomes Project 30x 0.00047.
gnomAD v4.1: 227 of 1,613,906 alleles (0.014%); highest among the groups gnomAD compares: Non-Finnish European, 0.018%; no homozygotes.

Submissions (3):

Labcorp Genetics (formerly Invitae), Labcorp
Classification: Likely benign. Last evaluated: 2025-11-15. Review status: criteria provided, single submitter. Criteria: Invitae Variant Classification Sherloc (09022015). Collection method: clinical testing. Allele origin: germline.

Blueprint Genetics
Classification: Likely benign. Last evaluated: 2024-09-03. Review status: criteria provided, single submitter. Criteria: ACMG Guidelines, 2015. Collection method: clinical testing. Allele origin: germline.

CeGaT Center for Human Genetics Tuebingen
Classification: Likely benign. Last evaluated: 2022-07-01. Review status: criteria provided, single submitter. Criteria: CeGaT Center For Human Genetics Tuebingen Variant Classification Criteria Version 2. Collection method: clinical testing. Allele origin: germline. Affected: yes. Observed: 1 variant allele.
Comment: CAPN5: BP4

NM_004055.5(CAPN5):c.102C>T (p.Ala34=)

Gene: CAPN5 (calpain 5; plus strand). Cytogenetic location: 11q13.5.
Variant type: single nucleotide variant.
Coding change: c.102C>T on transcript NM_004055.5 (MANE Select); coding-DNA position 102, C replaced by T.
Protein change: p.Ala34=; no amino-acid change (alanine 34 retained).
Molecular consequence: synonymous variant.
Genome position (GRCh38, 1-based): chr11:77,084,988, C>T. VCF-style: chr11-77084988-C-T. GRCh37 (hg19) VCF-style: chr11-76796034-C-T.
Identifiers: ClinVar variation 1587790 (VCV001587790.33), dbSNP rs145409406, ClinGen allele CA6196111.